The following is an entry in ClinVar:

ClinVar aggregate classification (germline): Uncertain significance (1 of 4 stars; one submission).

Conditions:
Charcot-Marie-Tooth disease type 2. Also called: Charcot-Marie-Tooth type 2. Identifiers: Orphanet 64746, MedGen C0270914, MONDO:0018993.

Allele frequency attached by ClinVar (database versions not stated): TOPMed 0.00005; gnomAD 0.00001; gnomAD exomes 0.00001.
gnomAD v4.1: 23 of 1,612,006 alleles (0.0014%); highest among the groups gnomAD compares: Admixed American, 0.0017%; no homozygotes.

Submission:

Labcorp Genetics (formerly Invitae), Labcorp
Classification: Uncertain significance for Charcot-Marie-Tooth disease type 2. Last evaluated: 2022-07-25. Review status: criteria provided, single submitter. Criteria: Invitae Variant Classification Sherloc (09022015). Collection method: clinical testing. Allele origin: germline.
Comment: This sequence change replaces proline, which is neutral and non-polar, with leucine, which is neutral and non-polar, at codon 656 of the MED25 protein (p.Pro656Leu). This variant is present in population databases (no rsID available, gnomAD 0.0009%). This variant has not been reported in the literature in individuals affected with MED25-related conditions. Algorithms developed to predict the effect of missense changes on protein structure and function are either unavailable or do not agree on the potential impact of this missense change (SIFT: "Deleterious"; PolyPhen-2: "Probably Damaging"; Align-GVGD: "Class C0"). In summary, the available evidence is currently insufficient to determine the role of this variant in disease. Therefore, it has been classified as a Variant of Uncertain Significance.

NM_030973.4(MED25):c.1967C>T (p.Pro656Leu)

Gene: MED25 (mediator complex subunit 25; plus strand). Cytogenetic location: 19q13.33.
Variant type: single nucleotide variant.
Coding change: c.1967C>T on transcript NM_030973.4 (MANE Select); coding-DNA position 1967, C replaced by T.
Protein change: p.Pro656Leu; replaces proline 656 with leucine.
Molecular consequence: missense variant.
Genome position (GRCh38, 1-based): chr19:49,836,227, C>T. VCF-style: chr19-49836227-C-T. GRCh37 (hg19) VCF-style: chr19-50339484-C-T.
Other names: c.1967C>T, p.Pro656Leu (NM_001378355.1); short protein forms P656L.
Identifiers: ClinVar variation 2193629 (VCV002193629.1), dbSNP rs1464342550, ClinGen allele CA406921203.